The following is an entry in ClinVar:

NM_000091.5(COL4A3):c.1151-2A>C

Genes: COL4A3 (collagen type IV alpha 3 chain; plus strand), MFF-DT (MFF divergent transcript; minus strand). Cytogenetic location: 2q36.3.
Variant type: single nucleotide variant.
Coding change: c.1151-2A>C on transcript NM_000091.5 (MANE Select); the canonical splice acceptor site of the intron before coding-DNA position 1151, A replaced by C.
Molecular consequence: splice acceptor variant.
Genome position (GRCh38, 1-based): chr2:227,263,778, A>C. VCF-style: chr2-227263778-A-C. GRCh37 (hg19) VCF-style: chr2-228128494-A-C.
Identifiers: ClinVar variation 4817153 (VCV004817153.1).

ClinVar aggregate classification (germline): Likely pathogenic (1 of 4 stars; one submission).

Conditions:
Alport syndrome. Also called: Hemorrhagic familial nephritis; Hemorrhagic hereditary nephritis; Congenital hereditary hematuria. Identifiers: Orphanet 63, MedGen C1567741, MONDO:0018965.

Submission:

Natera, Inc.
Classification: Likely pathogenic for Alport syndrome. Last evaluated: 2025-04-25. Review status: criteria provided, single submitter. Criteria: Natera Variant Classification Schema (03/2026). Collection method: clinical testing. Allele origin: germline.
Comment: The c.1151-2A>C variant in COL4A3 is a canonical splice acceptor site variant predicted to affect pre-mRNA splicing, which may result in an abnormal transcript and altered protein product. This variant is expected to result in nonsense mediated decay, truncation, or a dysfunctional protein product. This variant is rare in the general population with a frequency below the threshold expected for the associated phenotype(s). Given the available evidence, this variant is classified as Likely Pathogenic.